The following is an entry in ClinVar:

NM_001267550.2(TTN):c.5464A>C (p.Met1822Leu)

Gene: TTN (titin; minus strand). Cytogenetic location: 2q31.2.
Variant type: single nucleotide variant.
Coding change: c.5464A>C on transcript NM_001267550.2 (MANE Select); coding-DNA position 5464, A replaced by C.
Protein change: p.Met1822Leu; replaces methionine 1822 with leucine.
Molecular consequence: missense variant.
Genome position (GRCh38, 1-based): chr2:178,776,400, T>G on the plus strand (A>C on the coding strand, the complement: TTN is on the minus strand). VCF-style: chr2-178776400-T-G. GRCh37 (hg19) VCF-style: chr2-179641127-T-G.
Other names: p.M1822L:ATG>CTG; c.5464A>C, p.Met1822Leu (NM_001256850.1, NM_133378.4, NM_133379.5); c.5326A>C, p.Met1776Leu (NM_003319.4, NM_133432.3, NM_133437.4); short protein forms M1822L, M1776L.
Identifiers: ClinVar variation 203134 (VCV000203134.29), dbSNP rs201581947, ClinGen allele CA311374.

ClinVar aggregate classification (germline): Conflicting classifications of pathogenicity. Review status: criteria provided, conflicting classifications (1 of 4 stars). 10 submissions from 10 submitters: Uncertain significance (3); Likely benign (7). Last evaluated 2026-05-26.

Conditions:
TTN-related disorder. Also called: TTN-related condition; TTN-related disease; TTN-related disorders.
Cardiovascular phenotype. Identifiers: MedGen CN230736.
Dilated cardiomyopathy 1G (CMD1G). Identifiers: Orphanet 154, MedGen C1858763, MONDO:0011400, OMIM 604145.
Autosomal recessive limb-girdle muscular dystrophy type 2J (LGMDR10). Also called: Limb-girdle muscular dystrophy, type 2J; MUSCULAR DYSTROPHY, LIMB-GIRDLE, AUTOSOMAL RECESSIVE 10. Identifiers: Orphanet 140922, MedGen C1837342, MONDO:0012127, OMIM 608807.
Primary dilated cardiomyopathy (DCM). Also called: Dilated Cardiomyopathy. Identifiers: Orphanet 217604, MedGen C0007193, MeSH D002311, MONDO:0005021, HP:0001644. Inheritance: Various modes of inheritance.

Allele frequency attached by ClinVar (database versions not stated): TOPMed 0.00011; gnomAD 0.00019 and 0.00021; ExAC 0.00042.

Submissions (10):

Women's Health and Genetics/Laboratory Corporation of America, LabCorp
Classification: Likely benign. Last evaluated: 2026-05-26. Review status: criteria provided, single submitter. Criteria: LabCorp Variant Classification Summary - May 2015. Collection method: clinical testing. Allele origin: germline.
Comment: Variant summary: TTN c.5464A>C (p.Met1822Leu) results in a conservative amino acid change in the encoded protein sequence. Algorithms developed to predict the effect of missense changes on protein structure and function all suggest that this variant is likely to be tolerated. The variant allele was found at a frequency of 0.00028 in 250038 control chromosomes, predominantly at a frequency of 0.00049 within the Non-Finnish European subpopulation in the gnomAD database. The observed variant frequency within Non-Finnish European control individuals in the gnomAD database exceeds the estimated maximal expected allele frequency for disease-causing variants in TTN. To our knowledge, no occurrence of c.5464A>C in individuals affected with TTN-related conditions and no experimental evidence demonstrating its impact on protein function have been reported. ClinVar contains an entry for this variant (Variation ID: 203134). Based on the evidence outlined above, the variant was classified as likely benign.

Petrovsky National Research Centre of Surgery, The Federal Agency for Scientific Organizations
Classification: Uncertain significance for Primary dilated cardiomyopathy. Last evaluated: 2026-02-17. Review status: criteria provided, single submitter. Criteria: ACMG Guidelines, 2015. Collection method: clinical testing. Allele origin: germline. Affected: yes. Observed: 1 variant allele.
Comment: The variant is in The Genome Aggregation Database (gnomAD) v4.1.0 with total 0.00025. (Date of access 2026-02-17). In accordance with ACMG (2015) criteria this variant is classified as Uncertain significance with following criteria selected: PM2, PS4_Supporting, BP1.

Labcorp Genetics (formerly Invitae), Labcorp
Classification: Likely benign for Dilated cardiomyopathy 1G; Autosomal recessive limb-girdle muscular dystrophy type 2J. Last evaluated: 2026-02-03. Review status: criteria provided, single submitter. Criteria: Invitae Variant Classification Sherloc (09022015). Collection method: clinical testing. Allele origin: germline.

PreventionGenetics, part of Exact Sciences
Classification: Likely benign for TTN-related condition. Last evaluated: 2025-07-23. Review status: criteria provided, single submitter. Criteria: ACMG Guidelines, 2015. Collection method: clinical testing. Allele origin: germline.
Comment: This variant is classified as likely benign based on ACMG/AMP sequence variant interpretation guidelines (Richards et al. 2015 PMID: 25741868, with internal and published modifications).

Blueprint Genetics
Classification: Likely benign. Last evaluated: 2023-09-14. Review status: criteria provided, single submitter. Criteria: ACMG Guidelines, 2015. Collection method: clinical testing. Allele origin: germline.

Revvity Omics, Revvity
Classification: Uncertain significance. Last evaluated: 2022-04-25. Review status: criteria provided, single submitter. Criteria: ACMG Guidelines, 2015. Collection method: clinical testing. Allele origin: germline.

GeneDx
Classification: Likely benign. Last evaluated: 2021-11-23. Review status: criteria provided, single submitter. Criteria: GeneDx Variant Classification Process June 2021. Collection method: clinical testing. Allele origin: germline. Affected: yes.

Ambry Genetics
Classification: Likely benign for Cardiovascular phenotype. Last evaluated: 2019-11-15. Review status: criteria provided, single submitter. Criteria: Ambry Variant Classification Scheme 2023. Collection method: clinical testing. Allele origin: germline.

Athena Diagnostics
Classification: Likely benign. Last evaluated: 2018-05-30. Review status: criteria provided, single submitter. Criteria: Athena Diagnostics Criteria. Collection method: clinical testing. Allele origin: germline.

Eurofins Ntd Llc (ga)
Classification: Uncertain significance. Last evaluated: 2017-04-06. Review status: criteria provided, single submitter. Criteria: EGL Classification Definitions 2015. Collection method: clinical testing. Allele origin: germline. Observed: 3 variant alleles, 3 heterozygotes.